The following is an entry in ClinVar:

NM_004408.4(DNM1):c.1801C>G (p.Arg601Gly)

Gene: DNM1 (dynamin 1; plus strand). Cytogenetic location: 9q34.11.
Variant type: single nucleotide variant.
Coding change: c.1801C>G on transcript NM_004408.4 (MANE Select); coding-DNA position 1801, C replaced by G.
Protein change: p.Arg601Gly; replaces arginine 601 with glycine.
Molecular consequence: missense variant.
Genome position (GRCh38, 1-based): chr9:128,247,394, C>G. VCF-style: chr9-128247394-C-G. GRCh37 (hg19) VCF-style: chr9-131009673-C-G.
Other names: c.1801C>G, p.Arg601Gly (NM_001005336.3, NM_001288737.2, NM_001288738.2 and 2 more transcripts); short protein forms R601G.
Identifiers: ClinVar variation 4537563 (VCV004537563.1).

ClinVar aggregate classification (germline): Uncertain significance (1 of 4 stars; one submission).

Submission:

GeneDx
Classification: Uncertain significance. Last evaluated: 2025-06-10. Review status: criteria provided, single submitter. Criteria: GeneDx Variant Classification Process June 2021. Collection method: clinical testing. Allele origin: germline. Affected: yes.
Comment: Not observed at significant frequency in large population cohorts (gnomAD); Has not been previously published as pathogenic or benign to our knowledge